The following is an entry in ClinVar:

NM_006662.3(SRCAP):c.4244T>A (p.Met1415Lys)

Gene: SRCAP (Snf2 related CREBBP activator protein; plus strand). Cytogenetic location: 16p11.2.
Variant type: single nucleotide variant.
Coding change: c.4244T>A on transcript NM_006662.3 (MANE Select); coding-DNA position 4244, T replaced by A.
Protein change: p.Met1415Lys; replaces methionine 1415 with lysine.
Molecular consequence: missense variant.
Genome position (GRCh38, 1-based): chr16:30,723,668, T>A. VCF-style: chr16-30723668-T-A. GRCh37 (hg19) VCF-style: chr16-30734989-T-A.
Other names: short protein forms M1415K.
Identifiers: ClinVar variation 2430989 (VCV002430989.1), dbSNP rs746462812, ClinGen allele CA395615609.

ClinVar aggregate classification (germline): Uncertain significance (1 of 4 stars; one submission).

Submission:

GeneDx
Classification: Uncertain significance. Last evaluated: 2022-08-23. Review status: criteria provided, single submitter. Criteria: GeneDx Variant Classification Process June 2021. Collection method: clinical testing. Allele origin: germline. Affected: yes.
Comment: Not observed at significant frequency in large population cohorts (gnomAD); In silico analysis supports that this missense variant does not alter protein structure/function; Has not been previously published as pathogenic or benign to our knowledge